The following is an entry in ClinVar:

NM_004482.4(GALNT3):c.1391A>G (p.Gln464Arg)

Gene: GALNT3 (polypeptide N-acetylgalactosaminyltransferase 3; minus strand). Cytogenetic location: 2q24.3.
Variant type: single nucleotide variant.
Coding change: c.1391A>G on transcript NM_004482.4 (MANE Select); coding-DNA position 1391, A replaced by G.
Protein change: p.Gln464Arg; replaces glutamine 464 with arginine.
Molecular consequence: missense variant.
Genome position (GRCh38, 1-based): chr2:165,757,048, T>C on the plus strand (A>G on the coding strand, the complement: GALNT3 is on the minus strand). VCF-style: chr2-165757048-T-C. GRCh37 (hg19) VCF-style: chr2-166613558-T-C.
Other names: short protein forms Q464R.
Identifiers: ClinVar variation 2159624 (VCV002159624.1), dbSNP rs892207276, ClinGen allele CA59747266.
Genomic context (GRCh38, chr2:165,757,048, plus strand): 5'-AAGGACGTGTGAACTTGTTATAGATTTTATTGCAATTTAACTACTTAGCTTTAACTTACT[T>C]GTTTAACAATTTTTGCTGCATCTGTATTTCTCCTATAAAATATTTCCTTGTATTCATCCA-3'
Protein context (NP_004473.2, residues 454-474): RNTDAAKIVK[Gln464Arg]KAFGDLSKRF

ClinVar aggregate classification (germline): Uncertain significance (1 of 4 stars; one submission).

Allele frequency attached by ClinVar (database versions not stated): TOPMed below 0.00001.
gnomAD v4.1: 1 of 1,610,026 alleles (0.000062%); no homozygotes.

Submission:

Labcorp Genetics (formerly Invitae), Labcorp
Classification: Uncertain significance. Last evaluated: 2022-03-18. Review status: criteria provided, single submitter. Criteria: Invitae Variant Classification Sherloc (09022015). Collection method: clinical testing. Allele origin: germline.
Comment: This sequence change replaces glutamine, which is neutral and polar, with arginine, which is basic and polar, at codon 464 of the GALNT3 protein (p.Gln464Arg). This variant is not present in population databases (gnomAD no frequency). This variant has not been reported in the literature in individuals affected with GALNT3-related conditions. Algorithms developed to predict the effect of missense changes on protein structure and function (SIFT, PolyPhen-2, Align-GVGD) all suggest that this variant is likely to be tolerated. In summary, the available evidence is currently insufficient to determine the role of this variant in disease. Therefore, it has been classified as a Variant of Uncertain Significance.